The following is an entry in ClinVar:

NM_024824.5(ZC3H14):c.1280-1664C>G

Gene: ZC3H14 (zinc finger CCCH-type containing 14; plus strand). Cytogenetic location: 14q31.3.
Variant type: single nucleotide variant.
Coding change: c.1280-1664C>G on transcript NM_024824.5 (MANE Select); 1664 bases into the intron before coding-DNA position 1280, C replaced by G.
Molecular consequence: intron variant. On other transcripts: missense variant (1).
Genome position (GRCh38, 1-based): chr14:88,595,070, C>G. VCF-style: chr14-88595070-C-G. GRCh37 (hg19) VCF-style: chr14-89061414-C-G.
Other names: c.344C>G, p.Thr115Ser (NM_207662.4); c.1178-1664C>G (NM_001326297.2, NM_001326315.2, NM_001326316.2 and 1 more transcripts); c.1178-6854C>G (NM_001326301.2); c.1178-12173C>G (NM_001326303.2); c.1280-1664C>G (NM_001160103.2, NM_001326310.2, NM_001160104.2 and 1 more transcripts); c.1280-6854C>G (NM_001326307.2, NM_001326296.2, NM_001326312.2 and 1 more transcripts); c.1280-12173C>G (NM_001326298.2, NM_207660.4); c.1124-12173C>G (NM_001326313.2, NM_001326306.2); and 3 more; short protein forms T115S.
Identifiers: ClinVar variation 2644437 (VCV002644437.24), dbSNP rs367969370, ClinGen allele CA7300517.
Genomic context (GRCh38, chr14:88,595,070, plus strand): 5'-ATGAATGCAACAGACAGTTTGAAGATCAAGAAGAAGATACTGAATCACAGTCAAGAACTA[C>G]TGATGTAAAAATAATCGGCTTCCTTAGAAACGTTGAGAAAGGTAAACTCTTAATATATGA-3'

ClinVar aggregate classification (germline): Likely benign (1 of 4 stars; one submission).

Allele frequency attached by ClinVar (database versions not stated): gnomAD 0.00001; TOPMed 0.00001; ExAC 0.00002; ESP Exome Variant Server 0.00008.
gnomAD v4.1: 16 of 1,613,032 alleles (0.00099%); highest among the groups gnomAD compares: Admixed American, 0.0067%; no homozygotes.

Submission:

CeGaT Center for Human Genetics Tuebingen
Classification: Likely benign. Last evaluated: 2023-03-01. Review status: criteria provided, single submitter. Criteria: CeGaT Center For Human Genetics Tuebingen Variant Classification Criteria Version 2. Collection method: clinical testing. Allele origin: germline. Affected: yes. Observed: 1 variant allele.
Comment: ZC3H14: BP4